The following is an entry in ClinVar:

ClinVar aggregate classification (germline): Pathogenic (1 of 4 stars; one submission).

gnomAD v4.1: 12 of 1,614,004 alleles (0.00074%); highest among the groups gnomAD compares: Non-Finnish European, 0.001%; no homozygotes.

Submission:

Labcorp Genetics (formerly Invitae), Labcorp
Classification: Pathogenic. Last evaluated: 2024-03-01. Review status: criteria provided, single submitter. Criteria: Invitae Variant Classification Sherloc (09022015). Collection method: clinical testing. Allele origin: germline.
Comment: This sequence change creates a premature translational stop signal (p.Gln84*) in the CA4 gene. It is expected to result in an absent or disrupted protein product. Loss-of-function variants in CA4 are known to be pathogenic (PMID: 33090715). This variant is present in population databases (no rsID available, gnomAD 0.0009%). This variant has not been reported in the literature in individuals affected with CA4-related conditions. Algorithms developed to predict the effect of sequence changes on RNA splicing suggest that this variant may disrupt the consensus splice site. For these reasons, this variant has been classified as Pathogenic.

Literature cited by the submitters: PubMed 33090715.

NM_000717.5(CA4):c.250C>T (p.Gln84Ter)

Gene: CA4 (carbonic anhydrase 4; plus strand). Cytogenetic location: 17q23.1.
Variant type: single nucleotide variant.
Coding change: c.250C>T on transcript NM_000717.5 (MANE Select); coding-DNA position 250, C replaced by T.
Protein change: p.Gln84Ter; replaces glutamine 84 with a stop codon.
Molecular consequence: nonsense. On other transcripts: non-coding transcript variant (1).
Genome position (GRCh38, 1-based): chr17:60,156,697, C>T. VCF-style: chr17-60156697-C-T. GRCh37 (hg19) VCF-style: chr17-58234058-C-T.
Other names: short protein forms Q84*.
Identifiers: ClinVar variation 3699233 (VCV003699233.2).